The following is an entry in ClinVar:

ClinVar aggregate classification (germline): Likely pathogenic (1 of 4 stars; one submission).

Conditions:
Severe combined immunodeficiency due to DCLRE1C deficiency (RS-SCID). Also called: SCID, AUTOSOMAL RECESSIVE, T CELL-NEGATIVE, B CELL-NEGATIVE, NK CELL-POSITIVE, WITH SENSITIVITY TO IONIZING RADIATION. Identifiers: Orphanet 275, MedGen C1865371, MONDO:0011225, OMIM 602450.

Submission:

Labcorp Genetics (formerly Invitae), Labcorp
Classification: Likely pathogenic for Athabaskan severe combined immunodeficiency. Last evaluated: 2021-01-29. Review status: criteria provided, single submitter. Criteria: Invitae Variant Classification Sherloc (09022015). Collection method: clinical testing. Allele origin: germline.
Comment: This sequence change affects an acceptor splice site in intron 5 of the DCLRE1C gene. It is expected to disrupt RNA splicing. Variants that disrupt the donor or acceptor splice site typically lead to a loss of protein function (PMID: 16199547), and loss-of-function variants in DCLRE1C are known to be pathogenic (PMID: 21664875, 26123418). In summary, the currently available evidence indicates that the variant is pathogenic, but additional data are needed to prove that conclusively. Therefore, this variant has been classified as Likely Pathogenic. Algorithms developed to predict the effect of sequence changes on RNA splicing suggest that this variant may disrupt the consensus splice site, but this prediction has not been confirmed by published transcriptional studies. This variant has not been reported in the literature in individuals with DCLRE1C-related conditions. This variant is not present in population databases (ExAC no frequency).

Literature cited by the submitters: PubMed 16199547; PubMed 21664875; PubMed 26123418.

NM_001033855.3(DCLRE1C):c.363-2A>G

Gene: DCLRE1C (DNA cross-link repair 1C; minus strand). Cytogenetic location: 10p13.
Variant type: single nucleotide variant.
Coding change: c.363-2A>G on transcript NM_001033855.3 (MANE Select); the canonical splice acceptor site of the intron before coding-DNA position 363, A replaced by G.
Molecular consequence: splice acceptor variant.
Genome position (GRCh38, 1-based): chr10:14,935,566, T>C on the plus strand (A>G on the coding strand, the complement: DCLRE1C is on the minus strand). VCF-style: chr10-14935566-T-C. GRCh37 (hg19) VCF-style: chr10-14977565-T-C.
Other names: c.18-2A>G (NM_001350966.2, NM_001289078.2, NM_001289076.2 and 1 more transcripts); c.363-2A>G (NM_001350965.2); c.3-2A>G (NM_001350967.2, NM_001289077.2, NM_001289079.2 and 2 more transcripts).
Identifiers: ClinVar variation 1478951 (VCV001478951.8), dbSNP rs2130956855, ClinGen allele CA376060366.